The following is an entry in ClinVar:

ClinVar aggregate classification (germline): Uncertain significance (1 of 4 stars; one submission).

Conditions:
SCAF4-related disorder. Also called: SCAF4-related condition.

gnomAD v4.1: 1 of 1,613,556 alleles (0.000062%); highest among the groups gnomAD compares: East Asian, 0.0022%; no homozygotes.

Submission:

PreventionGenetics, part of Exact Sciences
Classification: Uncertain significance for SCAF4-related condition. Last evaluated: 2025-07-07. Review status: criteria provided, single submitter. Criteria: ACMG Guidelines, 2015. Collection method: clinical testing. Allele origin: germline.
Comment: The SCAF4 c.2018C>T variant is predicted to result in the amino acid substitution p.Ala673Val. To our knowledge, this variant has not been reported in the literature. This variant is reported in 0.0054% of alleles in individuals of East Asian descent in gnomAD. At this time, the clinical significance of this variant is uncertain due to the absence of conclusive functional and genetic evidence.

NM_020706.2(SCAF4):c.2018C>T (p.Ala673Val)

Gene: SCAF4 (SR-related CTD associated factor 4; minus strand). Cytogenetic location: 21q22.11.
Variant type: single nucleotide variant.
Coding change: c.2018C>T on transcript NM_020706.2 (MANE Select); coding-DNA position 2018, C replaced by T.
Protein change: p.Ala673Val; replaces alanine 673 with valine.
Molecular consequence: missense variant.
Genome position (GRCh38, 1-based): chr21:31,688,332, G>A on the plus strand (C>T on the coding strand, the complement: SCAF4 is on the minus strand). VCF-style: chr21-31688332-G-A. GRCh37 (hg19) VCF-style: chr21-33060645-G-A.
Other names: c.1973C>T, p.Ala658Val (NM_001145444.1); c.2018C>T, p.Ala673Val (NM_001145445.1); short protein forms A658V, A673V.
Identifiers: ClinVar variation 4986384 (VCV004986384.1).